The following is an entry in ClinVar:

NM_000059.4(BRCA2):c.9703G>A (p.Ala3235Thr)

Gene: BRCA2 (BRCA2 DNA repair associated; plus strand). Cytogenetic location: 13q13.1.
Variant type: single nucleotide variant.
Coding change: c.9703G>A on transcript NM_000059.4 (MANE Select); coding-DNA position 9703, G replaced by A.
Protein change: p.Ala3235Thr; replaces alanine 3235 with threonine.
Molecular consequence: missense variant.
Genome position (GRCh38, 1-based): chr13:32,398,216, G>A. VCF-style: chr13-32398216-G-A. GRCh37 (hg19) VCF-style: chr13-32972353-G-A.
Other names: short protein forms A3235T.
Identifiers: ClinVar variation 629122 (VCV000629122.12), dbSNP rs1566260850, ClinGen allele CA387765396.

ClinVar aggregate classification (germline): Uncertain significance. Review status: criteria provided, multiple submitters, no conflicts (2 of 4 stars). 3 submissions from 3 submitters: Uncertain significance (3). Last evaluated 2025-04-03.

Conditions:
Hereditary cancer-predisposing syndrome. Also called: Neoplastic Syndromes, Hereditary; Tumor predisposition; Hereditary neoplastic syndrome; Hereditary Cancer Syndrome. Identifiers: Orphanet 140162, MedGen C0027672, MeSH D009386, MONDO:0015356.
Hereditary breast ovarian cancer syndrome. Also called: Hereditary breast and ovarian cancer syndrome; Hereditary breast and ovarian cancer; Hereditary breast and ovarian cancer syndrome (HBOC); Breast and ovarian cancer; Hereditary breast and/or ovarian cancer syndrome; BRCA1- and BRCA2-Associated Hereditary Breast and Ovarian Cancer. Identifiers: Orphanet 145, MedGen C0677776, MeSH D061325, MONDO:0003582. Disease mechanism: loss of function.

Submissions (3):

Ambry Genetics
Classification: Uncertain significance for Hereditary cancer-predisposing syndrome. Last evaluated: 2025-04-03. Review status: criteria provided, single submitter. Criteria: Ambry Variant Classification Scheme 2023. Collection method: clinical testing. Allele origin: germline.
Comment: The p.A3235T variant (also known as c.9703G>A), located in coding exon 26 of the BRCA2 gene, results from a G to A substitution at nucleotide position 9703. The alanine at codon 3235 is replaced by threonine, an amino acid with similar properties. This amino acid position is poorly conserved in available vertebrate species. In addition, this alteration is predicted to be tolerated by in silico analysis. Since supporting evidence is limited at this time, the clinical significance of this alteration remains unclear.

Labcorp Genetics (formerly Invitae), Labcorp
Classification: Uncertain significance for Hereditary breast ovarian cancer syndrome. Last evaluated: 2022-09-25. Review status: criteria provided, single submitter. Criteria: Invitae Variant Classification Sherloc (09022015). Collection method: clinical testing. Allele origin: germline.
Comment: This sequence change replaces alanine, which is neutral and non-polar, with threonine, which is neutral and polar, at codon 3235 of the BRCA2 protein (p.Ala3235Thr). This variant has not been reported in the literature in individuals affected with BRCA2-related conditions. ClinVar contains an entry for this variant (Variation ID: 629122). Advanced modeling of protein sequence and biophysical properties (such as structural, functional, and spatial information, amino acid conservation, physicochemical variation, residue mobility, and thermodynamic stability) performed at Invitae indicates that this missense variant is not expected to disrupt BRCA2 protein function. In summary, the available evidence is currently insufficient to determine the role of this variant in disease. Therefore, it has been classified as a Variant of Uncertain Significance. This variant is not present in population databases (gnomAD no frequency).

Color Diagnostics, LLC DBA Color Health
Classification: Uncertain significance for Hereditary cancer-predisposing syndrome. Last evaluated: 2019-04-23. Review status: criteria provided, single submitter. Criteria: ACMG Guidelines, 2015. Collection method: clinical testing. Allele origin: germline.